The following is an entry in ClinVar:

NM_004667.6(HERC2):c.3098G>A (p.Arg1033Gln)

Gene: HERC2 (HECT and RLD domain containing E3 ubiquitin protein ligase 2; minus strand). Cytogenetic location: 15q13.1.
Variant type: single nucleotide variant.
Coding change: c.3098G>A on transcript NM_004667.6 (MANE Select); coding-DNA position 3098, G replaced by A.
Protein change: p.Arg1033Gln; replaces arginine 1033 with glutamine.
Molecular consequence: missense variant.
Genome position (GRCh38, 1-based): chr15:28,248,689, C>T on the plus strand (G>A on the coding strand, the complement: HERC2 is on the minus strand). VCF-style: chr15-28248689-C-T. GRCh37 (hg19) VCF-style: chr15-28493835-C-T.
Other names: c.3098G>A (NM_004667.5); short protein forms R1033Q.
Identifiers: ClinVar variation 3105383 (VCV003105383.2), dbSNP rs372997296, ClinGen allele CA7442987.

ClinVar aggregate classification (germline): Uncertain significance. Review status: criteria provided, multiple submitters, no conflicts (2 of 4 stars). 2 submissions from 2 submitters: Uncertain significance (2). Last evaluated 2025-01-23.

Conditions:
Inborn genetic diseases. Identifiers: MedGen C0950123, MeSH D030342.

Allele frequency attached by ClinVar (database versions not stated): ExAC 0.00006; TOPMed 0.00006; ESP Exome Variant Server 0.00008; gnomAD 0.00002; gnomAD exomes 0.00003.
gnomAD v4.1: 45 of 1,613,864 alleles (0.0028%); highest among the groups gnomAD compares: Admixed American, 0.025%; no homozygotes.

Submissions (2):

GeneDx
Classification: Uncertain significance. Last evaluated: 2025-01-23. Review status: criteria provided, single submitter. Criteria: GeneDx Variant Classification Process June 2021. Collection method: clinical testing. Allele origin: germline. Affected: yes.
Comment: In silico analysis indicates that this missense variant does not alter protein structure/function; Has not been previously published as pathogenic or benign to our knowledge

Ambry Genetics
Classification: Uncertain significance for Inborn genetic diseases. Last evaluated: 2024-02-26. Review status: criteria provided, single submitter. Criteria: Ambry Variant Classification Scheme 2023. Collection method: clinical testing. Allele origin: germline.